The following is an entry in ClinVar:

ClinVar aggregate classification (germline): Uncertain significance. Review status: criteria provided, multiple submitters, no conflicts (2 of 4 stars). 3 submissions from 3 submitters: Uncertain significance (3). Last evaluated 2024-03-25.

Conditions:
Intellectual developmental disorder, X-linked 1. Also called: Atkin Flaitz Patil Smith syndrome; Intellectual disability, X-linked 1; MENTAL RETARDATION, X-LINKED 18; MENTAL RETARDATION, X-LINKED 78. Identifiers: Orphanet 777, MedGen C2931498, MONDO:0010656, OMIM 309530.

Allele frequency attached by ClinVar (database versions not stated): gnomAD exomes below 0.00001; gnomAD 0.00003; ExAC 0.00031.
gnomAD v4.1: 5 of 842,308 alleles (0.00059%); highest among the groups gnomAD compares: African/African-American, 0.0054%; no homozygotes.

Submissions (3):

Genomic Medicine Center of Excellence, King Faisal Specialist Hospital and Research Centre
Classification: Uncertain significance for Intellectual developmental disorder, X-linked 1. Last evaluated: 2024-03-25. Review status: criteria provided, single submitter. Criteria: ACMG Guidelines, 2015. Collection method: research. Allele origin: germline.

GeneDx
Classification: Uncertain significance. Last evaluated: 2023-06-16. Review status: criteria provided, single submitter. Criteria: GeneDx Variant Classification Process June 2021. Collection method: clinical testing. Allele origin: germline. Affected: yes.
Comment: Not observed at significant frequency in large population cohorts (gnomAD); In silico analysis supports that this missense variant does not alter protein structure/function; Has not been previously published as pathogenic or benign to our knowledge

Department of Pathology and Laboratory Medicine, Sinai Health System
Classification: Uncertain significance for Intellectual developmental disorder, X-linked 1. Last evaluated: 2022-07-29. Review status: criteria provided, single submitter. Criteria: ACMG Guidelines, 2015. Collection method: research. Allele origin: germline.

NM_001111125.3(IQSEC2):c.4387G>A (p.Ala1463Thr)

Gene: IQSEC2 (IQ motif and Sec7 domain ArfGEF 2; minus strand). Cytogenetic location: Xp11.22.
Variant type: single nucleotide variant.
Coding change: c.4387G>A on transcript NM_001111125.3 (MANE Select); coding-DNA position 4387, G replaced by A.
Protein change: p.Ala1463Thr; replaces alanine 1463 with threonine.
Molecular consequence: missense variant. On other transcripts: 3 prime UTR variant (2).
Genome position (GRCh38, 1-based): chrX:53,234,299, C>T on the plus strand (G>A on the coding strand, the complement: IQSEC2 is on the minus strand). VCF-style: chrX-53234299-C-T. GRCh37 (hg19) VCF-style: chrX-53263481-C-T.
Other names: c.4387G>A (NM_001111125.1); c.*872G>A (NM_001410736.1, NM_015075.2); short protein forms A1463T.
Identifiers: ClinVar variation 3064512 (VCV003064512.4), dbSNP rs781858960, ClinGen allele CA10419765.